The following is an entry in ClinVar:

NM_000026.4(ADSL):c.-15G>A

Gene: ADSL (adenylosuccinate lyase; plus strand). Cytogenetic location: 22q13.1.
Variant type: single nucleotide variant.
Coding change: c.-15G>A on transcript NM_000026.4 (MANE Select); 15 bases upstream of the start codon, G replaced by A.
Molecular consequence: 5 prime UTR variant. On other transcripts: non-coding transcript variant (1).
Genome position (GRCh38, 1-based): chr22:40,346,544, G>A. VCF-style: chr22-40346544-G-A. GRCh37 (hg19) VCF-style: chr22-40742548-G-A.
Other names: c.-15G>A (NM_001123378.3, NM_001363840.3, NM_001410812.1 and 2 more transcripts); c.-152G>A (NM_001317923.2).
Identifiers: ClinVar variation 2048567 (VCV002048567.4), dbSNP rs771578438, ClinGen allele CA10247570.

ClinVar aggregate classification (germline): Uncertain significance (1 of 4 stars; one submission).

Conditions:
Adenylosuccinate lyase deficiency (ADSLD). Also called: ADSL DEFICIENCY. Identifiers: Orphanet 46, MedGen C0268126, MONDO:0007068, OMIM 103050.

Allele frequency attached by ClinVar (database versions not stated): ExAC 0.00002.
gnomAD v4.1: 2 of 1,599,442 alleles (0.00013%); highest among the groups gnomAD compares: Admixed American, 0.0034%; no homozygotes.

Submission:

Labcorp Genetics (formerly Invitae), Labcorp
Classification: Uncertain significance for Adenylosuccinate lyase deficiency. Last evaluated: 2022-10-17. Review status: criteria provided, single submitter. Criteria: Invitae Variant Classification Sherloc (09022015). Collection method: clinical testing. Allele origin: germline.
Comment: In summary, the available evidence is currently insufficient to determine the role of this variant in disease. Therefore, it has been classified as a Variant of Uncertain Significance. Experimental studies and prediction algorithms are not available or were not evaluated, and the functional significance of this variant is currently unknown. This variant has not been reported in the literature in individuals affected with ADSL-related conditions. The frequency data for this variant in the population databases is considered unreliable, as metrics indicate poor data quality at this position in the gnomAD database. This variant occurs in a non-coding region of the ADSL gene. It does not change the encoded amino acid sequence of the ADSL protein.